The following is an entry in ClinVar:

NC_000019.9:g.(?_50747479)_(50813047_?)dup

Gene: MYH14 (myosin heavy chain 14; plus strand). Cytogenetic location: 19q13.33.
Variant type: Duplication.
Identifiers: ClinVar variation 3242711 (VCV003242711.1).

ClinVar aggregate classification (germline): Uncertain significance (1 of 4 stars; one submission).

Submission:

Labcorp Genetics (formerly Invitae), Labcorp
Classification: Uncertain significance. Last evaluated: 2023-12-02. Review status: criteria provided, single submitter. Criteria: Invitae Variant Classification Sherloc (09022015). Collection method: clinical testing. Allele origin: unknown.
Comment: This variant results in a copy number gain of the genomic region encompassing exon(s) 10-41 of the MYH14 gene. This region includes the termination codon of the gene. This copy number gain extends beyond the assayed region for this gene and therefore may encompass additional genes. As the precise location of this event is unknown, it may be in tandem or it may be located elsewhere in the genome. This variant has not been reported in the literature in individuals affected with MYH14-related conditions. In summary, the available evidence is currently insufficient to determine the role of this variant in disease. Therefore, it has been classified as a Variant of Uncertain Significance.